The following is an entry in ClinVar:

ClinVar aggregate classification (germline): Likely benign. Review status: criteria provided, multiple submitters, no conflicts (2 of 4 stars). 3 submissions from 3 submitters: Likely benign (3). Last evaluated 2025-07-23.

Conditions:
Inborn genetic diseases. Identifiers: MedGen C0950123, MeSH D030342.
Primary ciliary dyskinesia 16. Also called: CILIARY DYSKINESIA, PRIMARY, 16, WITH OR WITHOUT SITUS INVERSUS. Identifiers: Orphanet 244, MedGen C3151460, MONDO:0013525, OMIM 614017.

Allele frequency attached by ClinVar (database versions not stated): ExAC 0.00003; gnomAD 0.00003.
gnomAD v4.1: 78 of 1,528,654 alleles (0.0051%); highest among the groups gnomAD compares: Non-Finnish European, 0.006%; no homozygotes.

Submissions (3):

Labcorp Genetics (formerly Invitae), Labcorp
Classification: Likely benign for Primary ciliary dyskinesia 16. Last evaluated: 2025-07-23. Review status: criteria provided, single submitter. Criteria: Invitae Variant Classification Sherloc (09022015). Collection method: clinical testing. Allele origin: germline.

Ambry Genetics
Classification: Likely benign for Inborn genetic diseases. Last evaluated: 2022-07-27. Review status: criteria provided, single submitter. Criteria: Ambry Variant Classification Scheme 2023. Collection method: clinical testing. Allele origin: germline.

Laboratory for Molecular Medicine, Mass General Brigham Personalized Medicine
Classification: Likely benign. Last evaluated: 2021-10-01. Review status: criteria provided, single submitter. Criteria: ACMG Guidelines, 2015. Collection method: clinical testing. Allele origin: germline.
Comment: The p.Leu44Leu is classified as likely benign because it does not alter an amino acid residue, is not located within the splice consensus site, and computational splice prediction tools do not predict an impact on splicing. It has been identified in 5/239298 chromosomes from the Genome Aggregation Database (gnomad). ACMG/AMP Criteria applied: BP4, BP7.

NM_031427.4(DNAL1):c.132G>A (p.Leu44=)

Gene: DNAL1 (dynein axonemal light chain 1; plus strand). Cytogenetic location: 14q24.3.
Variant type: single nucleotide variant.
Coding change: c.132G>A on transcript NM_031427.4 (MANE Select); coding-DNA position 132, G replaced by A.
Protein change: p.Leu44=; no amino-acid change (leucine 44 retained).
Molecular consequence: synonymous variant.
Genome position (GRCh38, 1-based): chr14:73,658,936, G>A. VCF-style: chr14-73658936-G-A. GRCh37 (hg19) VCF-style: chr14-74125639-G-A.
Other names: c.15G>A, p.Leu5= (NM_001201366.2).
Identifiers: ClinVar variation 1770112 (VCV001770112.5), dbSNP rs202161399, ClinGen allele CA7261418.
Genomic context (GRCh38, chr14:73,658,936, plus strand): 5'-AGCCAAAGAGATAAAACTTTATGCCCAGATTCCCCCTATAGAGAAGATGGATGCATCCTT[G>A]TCCATGCTTGCTAATTGCGAGTAAGTTCTCTTTTCATCCTTCCAGTATTGCTGTTAGGTT-3'
Protein context (NP_113615.2, residues 34-54): IPPIEKMDAS[Leu44=]SMLANCEKLS